The following is an entry in ClinVar:

ClinVar aggregate classification (germline): Uncertain significance. Review status: criteria provided, multiple submitters, no conflicts (2 of 4 stars). 2 submissions from 2 submitters: Uncertain significance (2). Last evaluated 2026-03-27.

Conditions:
Tuberous sclerosis 1 (TSC1). Identifiers: Orphanet 805, MedGen C1854465, MONDO:0008612, OMIM 191100.
Hereditary cancer-predisposing syndrome. Also called: Neoplastic Syndromes, Hereditary; Tumor predisposition; Hereditary Cancer Syndrome; Hereditary neoplastic syndrome. Identifiers: Orphanet 140162, MedGen C0027672, MeSH D009386, MONDO:0015356.

Submissions (2):

Ambry Genetics
Classification: Uncertain significance for Hereditary cancer-predisposing syndrome. Last evaluated: 2026-03-27. Review status: criteria provided, single submitter. Criteria: Ambry Variant Classification Scheme 2023. Collection method: clinical testing. Allele origin: germline.
Comment: The p.R284P variant (also known as c.851G>C), located in coding exon 7 of the TSC1 gene, results from a G to C substitution at nucleotide position 851. The arginine at codon 284 is replaced by proline, an amino acid with dissimilar properties. This amino acid position is not well conserved in available vertebrate species. In addition, the in silico prediction for this alteration is inconclusive. Based on the available evidence, the clinical significance of this variant remains unclear.

Labcorp Genetics (formerly Invitae), Labcorp
Classification: Uncertain significance for Tuberous sclerosis 1. Last evaluated: 2025-03-31. Review status: criteria provided, single submitter. Criteria: Invitae Variant Classification Sherloc (09022015). Collection method: clinical testing. Allele origin: germline.
Comment: This sequence change replaces arginine, which is basic and polar, with proline, which is neutral and non-polar, at codon 284 of the TSC1 protein (p.Arg284Pro). This variant is not present in population databases (gnomAD no frequency). This variant has not been reported in the literature in individuals affected with TSC1-related conditions. Invitae Evidence Modeling of protein sequence and biophysical properties (such as structural, functional, and spatial information, amino acid conservation, physicochemical variation, residue mobility, and thermodynamic stability) indicates that this missense variant is not expected to disrupt TSC1 protein function with a negative predictive value of 95%. In summary, the available evidence is currently insufficient to determine the role of this variant in disease. Therefore, it has been classified as a Variant of Uncertain Significance.

NM_000368.5(TSC1):c.851G>C (p.Arg284Pro)

Gene: TSC1 (TSC complex subunit 1; minus strand). Cytogenetic location: 9q34.13.
Variant type: single nucleotide variant.
Coding change: c.851G>C on transcript NM_000368.5 (MANE Select); coding-DNA position 851, G replaced by C.
Protein change: p.Arg284Pro; replaces arginine 284 with proline.
Molecular consequence: missense variant. On other transcripts: 5 prime UTR variant (5), non-coding transcript variant (5).
Genome position (GRCh38, 1-based): chr9:132,912,344, C>G on the plus strand (G>C on the coding strand, the complement: TSC1 is on the minus strand). VCF-style: chr9-132912344-C-G. GRCh37 (hg19) VCF-style: chr9-135787731-C-G.
Other names: c.851G>C, p.Arg284Pro (NM_001406596.1, NM_001406597.1, NM_001406598.1 and 16 more transcripts); c.488G>C, p.Arg163Pro (NM_001406623.1, NM_001406624.1, NM_001406625.1 and 10 more transcripts); c.-101G>C (NM_001406626.1, NM_001406627.1, NM_001406628.1); c.-243G>C (NM_001406629.1, NM_001406630.1); c.698G>C, p.Arg233Pro (NM_001162427.2, NM_001406610.1, NM_001406611.1 and 2 more transcripts); short protein forms R233P, R163P, R284P.
Identifiers: ClinVar variation 4692025 (VCV004692025.2).